The following is an entry in ClinVar:

ClinVar aggregate classification (germline): Pathogenic (1 of 4 stars; one submission).

Conditions:
46,XY sex reversal 2. Also called: NR0B1-Related 46,XY CGD; NR0B1-related 46,XY complete gonadal dysgenesis; Dosage-sensitive sex reversal; 46,XY SEX REVERSAL, DAX1-RELATED; 46XY sex reversal 2, dosage-sensitive. Identifiers: MedGen C1848296, MONDO:0010226, OMIM 300018.
Congenital adrenal hypoplasia, X-linked (AHC). Also called: Isolated X-Linked Adrenal Hypoplasia Congenita; X-linked AHC; X-Linked Adrenal Hypoplasia Congenita; ADRENAL HYPOPLASIA, CONGENITAL, WITH HYPOGONADOTROPIC HYPOGONADISM. Identifiers: Orphanet 95702, MedGen C0342482, MONDO:0010264, OMIM 300200. Disease mechanism: loss of function.

Submission:

Labcorp Genetics (formerly Invitae), Labcorp
Classification: Pathogenic for Congenital adrenal hypoplasia, X-linked; 46,XY sex reversal 2. Last evaluated: 2023-12-11. Review status: criteria provided, single submitter. Criteria: Invitae Variant Classification Sherloc (09022015). Collection method: clinical testing. Allele origin: germline.
Comment: This sequence change creates a premature translational stop signal (p.Pro140*) in the NR0B1 gene. It is expected to result in an absent or disrupted protein product. Loss-of-function variants in NR0B1 are known to be pathogenic (PMID: 7990958, 15841486). This variant is not present in population databases (gnomAD no frequency). This variant has not been reported in the literature in individuals affected with NR0B1-related conditions. For these reasons, this variant has been classified as Pathogenic.

Literature cited by the submitters: PubMed 7990958; PubMed 15841486.

NM_000475.5(NR0B1):c.418_452del (p.His139_Pro140insTer)

Gene: NR0B1 (nuclear receptor subfamily 0 group B member 1; minus strand). Cytogenetic location: Xp21.2.
Variant type: Deletion.
Coding change: c.418_452del on transcript NM_000475.5 (MANE Select); coding-DNA positions 418 to 452, 35 bases deleted.
Protein change: p.His139_Pro140insTer.
Molecular consequence: nonsense.
Genome position (GRCh38, 1-based): chrX:30,308,912-30,308,946, 35 bases deleted; deleting any 35 consecutive bases within chrX:30,308,912-30,308,949 gives the same sequence; the c. name uses the placement nearest the transcript's 3' end. GRCh37 (hg19): chrX:30,327,032-30,327,066.
Identifiers: ClinVar variation 2951215 (VCV002951215.3), dbSNP rs2519051714, ClinGen allele CA2740092089.